The following is an entry in ClinVar:

ClinVar aggregate classification (germline): Likely benign. Review status: criteria provided, multiple submitters, no conflicts (2 of 4 stars). 2 submissions from 2 submitters: Likely benign (2). Last evaluated 2024-12-07.

Conditions:
Familial cancer of breast. Also called: hereditary breast carcinoma; BREAST CANCER, FAMILIAL; Hereditary breast cancer. Identifiers: Orphanet 227535, MedGen C0346153, MONDO:0016419, OMIM 114480. Disease mechanism: loss of function.

Submissions (2):

Labcorp Genetics (formerly Invitae), Labcorp
Classification: Likely benign for Familial cancer of breast. Last evaluated: 2024-12-07. Review status: criteria provided, single submitter. Criteria: Invitae Variant Classification Sherloc (09022015). Collection method: clinical testing. Allele origin: germline.

GeneDx
Classification: Likely benign. Last evaluated: 2023-07-21. Review status: criteria provided, single submitter. Criteria: GeneDx Variant Classification Process June 2021. Collection method: clinical testing. Allele origin: germline. Affected: yes.
Comment: See Variant Classification Assertion Criteria.

NM_007194.4(CHEK2):c.793-9_793-8del

Gene: CHEK2 (checkpoint kinase 2; minus strand). Cytogenetic location: 22q12.1.
Variant type: Deletion.
Coding change: c.793-9_793-8del on transcript NM_007194.4 (MANE Select); 9 bases into the intron before coding-DNA position 793 through 8 bases into the intron before coding-DNA position 793, 2 bases deleted (TT; older notation c.793-9_793-8delTT).
Molecular consequence: intron variant.
Genome position (GRCh38, 1-based): chr22:28,710,067-28,710,068, AA deleted on the plus strand (TT on the coding strand, the reverse complement: CHEK2 is on the minus strand); deleting any 2 consecutive bases within chr22:28,710,067-28,710,069 gives the same sequence; the c. name uses the placement nearest the transcript's 3' end. VCF-style (leftmost placement, unchanged base first): chr22-28710066-TAA-T. GRCh37 (hg19) VCF-style: chr22-29106054-TAA-T.
Other names: c.793-9_793-8delTT (NM_007194.3); c.130-9_130-8del (NM_001437942.1, NM_001257387.3); c.592-9_592-8del (NM_001349956.3); c.793-9_793-8del (NM_145862.3); c.886-9_886-8del (NM_001438295.1, NM_001438293.1); c.922-9_922-8del (NM_001438294.1, NM_001005735.3).
Identifiers: ClinVar variation 509747 (VCV000509747.13), dbSNP rs1480956379, ClinGen allele CA638800180.